The following is an entry in ClinVar:

NM_022081.6(HPS4):c.250A>T (p.Ile84Leu)

Gene: HPS4 (HPS4 biogenesis of lysosomal organelles complex 3 subunit 2; minus strand). Cytogenetic location: 22q12.1.
Variant type: single nucleotide variant.
Coding change: c.250A>T on transcript NM_022081.6 (MANE Select); coding-DNA position 250, A replaced by T.
Protein change: p.Ile84Leu; replaces isoleucine 84 with leucine.
Molecular consequence: missense variant. On other transcripts: non-coding transcript variant (8).
Genome position (GRCh38, 1-based): chr22:26,477,019, T>A on the plus strand (A>T on the coding strand, the complement: HPS4 is on the minus strand). VCF-style: chr22-26477019-T-A. GRCh37 (hg19) VCF-style: chr22-26872985-T-A.
Other names: c.250A>T, p.Ile84Leu (NM_001349896.1, NM_001349898.2, NM_001349899.2 and 6 more transcripts); c.235A>T, p.Ile79Leu (NM_152841.2); short protein forms I79L, I84L.
Identifiers: ClinVar variation 1050007 (VCV001050007.1), dbSNP rs149830675, ClinGen allele CA411032379.

ClinVar aggregate classification (germline): Uncertain significance (0 of 4 stars; one submission).

Submission:

Department of Pathology and Laboratory Medicine, Sinai Health System
Classification: Uncertain significance. Review status: no assertion criteria provided. Collection method: clinical testing. Allele origin: unknown. Affected: yes. Study: The Canadian Open Genetics Repository (COGR).
Comment: The HPS4 p.Ile84Leu variant was not identified in the literature nor was it identified in dbSNP, ClinVar or in the following control databases: the 1000 Genomes Project, the NHLBI GO Exome Sequencing Project, or the Genome Aggregation Database (March 6, 2019, v2.1.1). The p.Ile84 residue is not conserved in mammals and computational analyses (PolyPhen-2, SIFT, AlignGVGD, BLOSUM, MutationTaster) do not suggest a high likelihood of impact to the protein; however, this information is not predictive enough to rule out pathogenicity. The variant occurs outside of the splicing consensus sequence and 1 of 4 in silico or computational prediction software programs (SpliceSiteFinder, MaxEntScan, NNSPLICE, GeneSplicer) predict a greater than 10% difference in splicing; this is not very predictive of pathogenicity. In summary, based on the above information the clinical significance of this variant cannot be determined with certainty at this time. This variant is classified as a variant of uncertain significance.